The following is an entry in ClinVar:

NM_001267550.2(TTN):c.82446C>T (p.Thr27482=)

Genes: TTN (titin; minus strand), TTN-AS1 (TTN antisense RNA 1; plus strand). Cytogenetic location: 2q31.2.
Variant type: single nucleotide variant.
Coding change: c.82446C>T on transcript NM_001267550.2 (MANE Select); coding-DNA position 82446, C replaced by T.
Protein change: p.Thr27482=; no amino-acid change (threonine 27482 retained).
Molecular consequence: synonymous variant.
Genome position (GRCh38, 1-based): chr2:178,563,686, G>A on the plus strand (C>T on the coding strand, the complement: TTN is on the minus strand). VCF-style: chr2-178563686-G-A. GRCh37 (hg19) VCF-style: chr2-179428413-G-A.
Other names: c.74742C>T, p.Thr24914= (NM_133378.4); c.77523C>T, p.Thr25841= (NM_001256850.1); c.55251C>T, p.Thr18417= (NM_003319.4); c.55626C>T, p.Thr18542= (NM_133432.3); c.55827C>T, p.Thr18609= (NM_133437.4).
Identifiers: ClinVar variation 228150 (VCV000228150.5), dbSNP rs768861950, ClinGen allele CA10576475.

ClinVar aggregate classification (germline): Likely benign (1 of 4 stars; one submission).

gnomAD v4.1: 1 of 1,613,734 alleles (0.000062%); highest among the groups gnomAD compares: Non-Finnish European, 0.000085%; no homozygotes.

Submission:

Laboratory for Molecular Medicine, Mass General Brigham Personalized Medicine
Classification: Likely benign. Last evaluated: 2015-08-06. Review status: criteria provided, single submitter. Criteria: LMM Criteria. Collection method: clinical testing. Allele origin: germline. Observed: 1 variant allele.
Comment: p.Thr24914Thr in exon 275 of TTN: This variant is not expected to have clinical significance because it does not alter an amino acid residue and is not located within the splice consensus sequence.